The following is an entry in ClinVar:

NM_006073.4(TRDN):c.1155A>G (p.Lys385=)

Gene: TRDN (triadin; minus strand). Cytogenetic location: 6q22.31.
Variant type: single nucleotide variant.
Coding change: c.1155A>G on transcript NM_006073.4 (MANE Select); coding-DNA position 1155, A replaced by G.
Protein change: p.Lys385=; no amino-acid change (lysine 385 retained).
Molecular consequence: synonymous variant.
Genome position (GRCh38, 1-based): chr6:123,382,128, T>C on the plus strand (A>G on the coding strand, the complement: TRDN is on the minus strand). VCF-style: chr6-123382128-T-C. GRCh37 (hg19) VCF-style: chr6-123703273-T-C.
Other names: c.1158A>G, p.Lys386= (NM_001251987.2); c.1098A>G, p.Lys366= (NM_001407315.1).
Identifiers: ClinVar variation 4682057 (VCV004682057.5).

ClinVar aggregate classification (germline): Likely benign (1 of 4 stars; one submission).

gnomAD v4.1: 6 of 1,494,432 alleles (0.0004%); highest among the groups gnomAD compares: Non-Finnish European, 0.00054%; no homozygotes.

Submission:

CeGaT Center for Human Genetics Tuebingen
Classification: Likely benign. Last evaluated: 2025-12-01. Review status: criteria provided, single submitter. Criteria: CeGaT Center For Human Genetics Tuebingen Variant Classification Criteria Version 2. Collection method: clinical testing. Allele origin: germline. Affected: yes. Observed: 1 variant allele.
Comment: TRDN: BP4, BP7